The following is an entry in ClinVar:

ClinVar aggregate classification (germline): Pathogenic (1 of 4 stars; one submission).

Conditions:
Exudative vitreoretinopathy 1 (EVR1). Also called: CRISWICK-SCHEPENS SYNDROME; FEVR, AUTOSOMAL DOMINANT; Familial exudative vitreoretinopathy, autosomal dominant. Identifiers: Orphanet 891, Orphanet 90050, MedGen C1851402, MONDO:0007589, OMIM 133780.

Submission:

Victorian Clinical Genetics Services, Murdoch Childrens Research Institute
Classification: Pathogenic for Exudative vitreoretinopathy 1. Last evaluated: 2023-07-16. Review status: criteria provided, single submitter. Criteria: ACMG Guidelines, 2015. Collection method: clinical testing. Allele origin: germline. Inheritance: Autosomal dominant inheritance. Affected: yes.
Comment: Based on the classification scheme VCGS_Germline_v1.3.4, this variant is classified as Pathogenic. Following criteria are met: 0102 - Loss of function is a known mechanism of disease in this gene and is associated with exudative vitreoretinopathy 1 (MIM#133780). (I) 0107 - This gene is associated with autosomal dominant disease. (I) 0115 - Variants in this gene are known to have variable expressivity. There is a large degree of intrafamilial variability, and asymptomatic heterozygous individuals have been reported (OMIM, PMID: 19324841). (I) 0200 - Variant is predicted to result in a missense amino acid change from tyrosine to cysteine. (I) 0251 - This variant is heterozygous. (I) 0301 - Variant is absent from gnomAD (both v2 and v3). (SP) 0501 - Missense variant consistently predicted to be damaging by multiple in silico tools or highly conserved with a major amino acid change. (SP) 0601 - Variant is located in the well-established functional cysteine-rich domain, which is required for interaction with the ligand Norrin (PMID:15035989, PMID:26227961). (SP) 0705 - No comparable missense variants have previous evidence for pathogenicity. (I) 0803 - This variant has limited previous evidence of pathogenicity in unrelated individuals. This variant was reported in a family with familial exudative vitreoretinopathy (PMID:21177847). (SP) 0902 - This variant has moderate evidence for segregation with disease. This variant segregated with the disease in 5 members of a family with familial exudative vitreoretinopathy, and was absent in an unaffected family member (PMID:21177847). (SP) 1002 - This variant has moderate functional evidence supporting abnormal protein function. In HEK293 human cell lines, this variant was unable to bind its ligand Norrin and activate downstream signalling (PMID:21177847). (SP) 1102 - Strong phenotype match for this individual. (I) Legend: (SP) - Supporting pathogenic, (I) - Information, (SB) - Supporting benign

Literature cited by the submitters: PubMed 15035989; PubMed 19324841; PubMed 21177847; PubMed 26227961.

NM_012193.4(FZD4):c.173A>G (p.Tyr58Cys)

Gene: FZD4 (frizzled class receptor 4; minus strand). Cytogenetic location: 11q14.2.
Variant type: single nucleotide variant.
Coding change: c.173A>G on transcript NM_012193.4 (MANE Select); coding-DNA position 173, A replaced by G.
Protein change: p.Tyr58Cys; replaces tyrosine 58 with cysteine.
Molecular consequence: missense variant.
Genome position (GRCh38, 1-based): chr11:86,954,913, T>C on the plus strand (A>G on the coding strand, the complement: FZD4 is on the minus strand). VCF-style: chr11-86954913-T-C. GRCh37 (hg19) VCF-style: chr11-86665955-T-C.
Other names: short protein forms Y58C.
Identifiers: ClinVar variation 1806078 (VCV001806078.2), dbSNP rs2495874344, ClinGen allele CA382018357.
Genomic context (GRCh38, chr11:86,954,913, plus strand): 5'-TGCAGCTCGGCGTCCGTCTGCAGCTCGTGCCCAACCAGGTTGGGCATCTTGGTCACGTTG[T>C]AGCCGAGGTTCTGGCACATGGAGATGCGGATGGGGTCGCAGCGCCGCTCTTCCTCGTCCC-3'
Protein context (NP_036325.2, residues 48-68): IRISMCQNLG[Tyr58Cys]NVTKMPNLVG